The following is an entry in ClinVar:

ClinVar aggregate classification (germline): Likely benign (1 of 4 stars; one submission).

Submission:

GeneDx
Classification: Likely benign. Last evaluated: 2018-04-25. Review status: criteria provided, single submitter. Criteria: GeneDx Variant Classification (06012015). Collection method: clinical testing. Allele origin: germline. Affected: yes.
Comment: This variant is considered likely benign or benign based on one or more of the following criteria: it is a conservative change, it occurs at a poorly conserved position in the protein, it is predicted to be benign by multiple in silico algorithms, and/or has population frequency not consistent with disease.

NM_000088.4(COL1A1):c.1002+8T>C

Gene: COL1A1 (collagen type I alpha 1 chain; minus strand). Cytogenetic location: 17q21.33.
Variant type: single nucleotide variant.
Coding change: c.1002+8T>C on transcript NM_000088.4 (MANE Select); 8 bases into the intron after coding-DNA position 1002, T replaced by C.
Molecular consequence: intron variant.
Genome position (GRCh38, 1-based): chr17:50,196,147, A>G on the plus strand (T>C on the coding strand, the complement: COL1A1 is on the minus strand). VCF-style: chr17-50196147-A-G. GRCh37 (hg19) VCF-style: chr17-48273508-A-G.
Identifiers: ClinVar variation 682154 (VCV000682154.1), dbSNP rs1598297956, ClinGen allele CA915950617.